The following is an entry in ClinVar:

ClinVar aggregate classification (germline): Uncertain significance (1 of 4 stars; one submission).

Allele frequency attached by ClinVar (database versions not stated): gnomAD 0.00001; gnomAD exomes 0.00001; ExAC 0.00002; TOPMed 0.00002; 1000 Genomes Project 30x 0.00031.

Submission:

Labcorp Genetics (formerly Invitae), Labcorp
Classification: Uncertain significance. Last evaluated: 2022-09-19. Review status: criteria provided, single submitter. Criteria: Invitae Variant Classification Sherloc (09022015). Collection method: clinical testing. Allele origin: germline.
Comment: This variant is present in population databases (rs778322182, gnomAD 0.006%). In summary, the available evidence is currently insufficient to determine the role of this variant in disease. Therefore, it has been classified as a Variant of Uncertain Significance. Advanced modeling of protein sequence and biophysical properties (such as structural, functional, and spatial information, amino acid conservation, physicochemical variation, residue mobility, and thermodynamic stability) performed at Invitae indicates that this missense variant is not expected to disrupt APOA4 protein function. This variant has not been reported in the literature in individuals affected with APOA4-related conditions. This sequence change replaces valine, which is neutral and non-polar, with methionine, which is neutral and non-polar, at codon 46 of the APOA4 protein (p.Val46Met).

NM_000482.4(APOA4):c.136G>A (p.Val46Met)

Gene: APOA4 (apolipoprotein A4; minus strand). Cytogenetic location: 11q23.3.
Variant type: single nucleotide variant.
Coding change: c.136G>A on transcript NM_000482.4 (MANE Select); coding-DNA position 136, G replaced by A.
Protein change: p.Val46Met; replaces valine 46 with methionine.
Molecular consequence: missense variant.
Genome position (GRCh38, 1-based): chr11:116,822,699, C>T on the plus strand (G>A on the coding strand, the complement: APOA4 is on the minus strand). VCF-style: chr11-116822699-C-T. GRCh37 (hg19) VCF-style: chr11-116693415-C-T.
Other names: short protein forms V46M.
Identifiers: ClinVar variation 1955084 (VCV001955084.5), dbSNP rs778322182, ClinGen allele CA6289528.